The following is an entry in ClinVar:

ClinVar aggregate classification (germline): Uncertain significance (1 of 4 stars; one submission).

Conditions:
Familial adenomatous polyposis 1 (FAP1). Also called: POLYPOSIS, ADENOMATOUS INTESTINAL; FAMILIAL ADENOMATOUS POLYPOSIS 1, ATTENUATED. Identifiers: MedGen C2713442, MONDO:0021056, OMIM 175100. Disease mechanism: loss of function.

Submission:

Labcorp Genetics (formerly Invitae), Labcorp
Classification: Uncertain significance for Familial adenomatous polyposis 1. Last evaluated: 2022-09-01. Review status: criteria provided, single submitter. Criteria: Invitae Variant Classification Sherloc (09022015). Collection method: clinical testing. Allele origin: germline.
Comment: In summary, the available evidence is currently insufficient to determine the role of this variant in disease. Therefore, it has been classified as a Variant of Uncertain Significance. Algorithms developed to predict the effect of missense changes on protein structure and function (SIFT, PolyPhen-2, Align-GVGD) all suggest that this variant is likely to be tolerated. ClinVar contains an entry for this variant (Variation ID: 1047841). This variant has not been reported in the literature in individuals affected with APC-related conditions. This variant is not present in population databases (gnomAD no frequency). This sequence change replaces glutamic acid, which is acidic and polar, with lysine, which is basic and polar, at codon 461 of the APC protein (p.Glu461Lys).

NM_000038.6(APC):c.1381G>A (p.Glu461Lys)

Gene: APC (APC regulator of Wnt signaling pathway; plus strand). Cytogenetic location: 5q22.2.
Variant type: single nucleotide variant.
Coding change: c.1381G>A on transcript NM_000038.6 (MANE Select); coding-DNA position 1381, G replaced by A.
Protein change: p.Glu461Lys; replaces glutamic acid 461 with lysine.
Molecular consequence: missense variant.
Genome position (GRCh38, 1-based): chr5:112,821,964, G>A. VCF-style: chr5-112821964-G-A. GRCh37 (hg19) VCF-style: chr5-112157661-G-A.
Other names: c.1381G>A, p.Glu461Lys (NM_001127510.3, NM_001354895.2, NM_001354896.2); c.1327G>A, p.Glu443Lys (NM_001127511.3); c.1411G>A, p.Glu471Lys (NM_001354897.2); c.1306G>A, p.Glu436Lys (NM_001354898.2); c.1297G>A, p.Glu433Lys (NM_001354899.2); c.1204G>A, p.Glu402Lys (NM_001354900.2, NM_001354901.2); c.1108G>A, p.Glu370Lys (NM_001354902.2); c.1078G>A, p.Glu360Lys (NM_001354903.2); and 3 more; short protein forms E178K, E335K, E360K, E436K, E461K, E370K, E433K, E443K.
Identifiers: ClinVar variation 1047841 (VCV001047841.10), dbSNP rs1763185709, ClinGen allele CA16024329.